The following is an entry in ClinVar:

NM_004960.4(FUS):c.47C>T (p.Ala16Val)

Gene: FUS (FUS RNA binding protein; plus strand). Cytogenetic location: 16p11.2.
Variant type: single nucleotide variant.
Coding change: c.47C>T on transcript NM_004960.4 (MANE Select); coding-DNA position 47, C replaced by T.
Protein change: p.Ala16Val; replaces alanine 16 with valine.
Molecular consequence: missense variant. On other transcripts: non-coding transcript variant (1).
Genome position (GRCh38, 1-based): chr16:31,182,521, C>T. VCF-style: chr16-31182521-C-T. GRCh37 (hg19) VCF-style: chr16-31193842-C-T.
Other names: c.47C>T, p.Ala16Val (NM_001170634.1, NM_001170937.1); short protein forms A16V.
Identifiers: ClinVar variation 1530335 (VCV001530335.12), dbSNP rs139980267, ClinGen allele CA8023436.

ClinVar aggregate classification (germline): Likely benign. Review status: criteria provided, multiple submitters, no conflicts (2 of 4 stars). 3 submissions from 3 submitters: Likely benign (2). 1 of the submissions does not count toward it. Last evaluated 2024-02-17.

Conditions:
FUS-related disorder. Also called: FUS-related condition.
Inborn genetic diseases. Identifiers: MedGen C0950123, MeSH D030342.
Amyotrophic lateral sclerosis type 6. Also called: FUS-Related Amyotrophic Laterial Sclerosis; AMYOTROPHIC LATERAL SCLEROSIS 6 WITHOUT FRONTOTEMPORAL DEMENTIA; Amyotrophic lateral sclerosis 6, with or without frontotemporal dementia. Identifiers: Orphanet 275872, Orphanet 803, MedGen C2931786, MONDO:0011951, OMIM 608030.
Tremor, hereditary essential, 4 (ETM4). Identifiers: MedGen C3539195, MONDO:0013888, OMIM 614782.

Allele frequency attached by ClinVar (database versions not stated): gnomAD exomes 0.00004 and 0.00009; ExAC 0.00012; gnomAD 0.00032; ESP Exome Variant Server 0.00062; 1000 Genomes Project 30x 0.00078; 1000 Genomes Project 0.00080.
gnomAD v4.1: 111 of 1,614,140 alleles (0.0069%); highest among the groups gnomAD compares: African/African-American, 0.13%; no homozygotes.

Submissions (3):

Labcorp Genetics (formerly Invitae), Labcorp
Classification: Likely benign for Tremor, hereditary essential, 4; Amyotrophic lateral sclerosis type 6. Last evaluated: 2024-02-17. Review status: criteria provided, single submitter. Criteria: Invitae Variant Classification Sherloc (09022015). Collection method: clinical testing. Allele origin: germline.

Ambry Genetics
Classification: Likely benign for Inborn genetic diseases. Last evaluated: 2022-03-29. Review status: criteria provided, single submitter. Criteria: Ambry Variant Classification Scheme 2023. Collection method: clinical testing. Allele origin: germline.

PreventionGenetics, part of Exact Sciences
Classification: Likely benign for FUS-related condition. Last evaluated: 2023-07-28. Review status: no assertion criteria provided. Collection method: clinical testing. Allele origin: germline. Not counted in ClinVar's aggregate classification.
Comment: This variant is classified as likely benign based on ACMG/AMP sequence variant interpretation guidelines (Richards et al. 2015 PMID: 25741868, with internal and published modifications).